The following is an entry in ClinVar:

ClinVar aggregate classification (germline): Uncertain significance (1 of 4 stars; one submission).

gnomAD v4.1: 4 of 1,614,078 alleles (0.00025%); highest among the groups gnomAD compares: Non-Finnish European, 0.00025%; no homozygotes.

Submission:

GeneDx
Classification: Uncertain significance. Last evaluated: 2025-03-24. Review status: criteria provided, single submitter. Criteria: GeneDx Variant Classification Process June 2021. Collection method: clinical testing. Allele origin: germline. Affected: yes.
Comment: Not observed at significant frequency in large population cohorts (gnomAD); In silico analysis supports that this missense variant has a deleterious effect on protein structure/function; Has not been previously published as pathogenic or benign to our knowledge

NM_022552.5(DNMT3A):c.2023G>A (p.Val675Met)

Gene: DNMT3A (DNA methyltransferase 3 alpha; minus strand). Cytogenetic location: 2p23.3.
Variant type: single nucleotide variant.
Coding change: c.2023G>A on transcript NM_022552.5 (MANE Select); coding-DNA position 2023, G replaced by A.
Protein change: p.Val675Met; replaces valine 675 with methionine.
Molecular consequence: missense variant. On other transcripts: non-coding transcript variant (1).
Genome position (GRCh38, 1-based): chr2:25,241,621, C>T on the plus strand (G>A on the coding strand, the complement: DNMT3A is on the minus strand). VCF-style: chr2-25241621-C-T. GRCh37 (hg19) VCF-style: chr2-25464490-C-T.
Other names: c.1567G>A, p.Val523Met (NM_001320893.1); c.1354G>A, p.Val452Met (NM_001375819.1); c.1456G>A, p.Val486Met (NM_153759.3); c.2023G>A, p.Val675Met (NM_175629.2); short protein forms V523M, V452M, V486M, V675M.
Identifiers: ClinVar variation 4088098 (VCV004088098.1).